The following is an entry in ClinVar:

NM_006516.4(SLC2A1):c.964G>C (p.Val322Leu)

Gene: SLC2A1 (solute carrier family 2 member 1; minus strand). Cytogenetic location: 1p34.2.
Variant type: single nucleotide variant.
Coding change: c.964G>C on transcript NM_006516.4 (MANE Select); coding-DNA position 964, G replaced by C.
Protein change: p.Val322Leu; replaces valine 322 with leucine.
Molecular consequence: missense variant.
Genome position (GRCh38, 1-based): chr1:42,929,218, C>G on the plus strand (G>C on the coding strand, the complement: SLC2A1 is on the minus strand). VCF-style: chr1-42929218-C-G. GRCh37 (hg19) VCF-style: chr1-43394889-C-G.
Other names: short protein forms V322L.
Identifiers: ClinVar variation 2795084 (VCV002795084.3), dbSNP rs1349205424, ClinGen allele CA339956322.

ClinVar aggregate classification (germline): Uncertain significance (1 of 4 stars; one submission).

Conditions:
GLUT1 deficiency syndrome 1, autosomal recessive. Identifiers: MedGen C3149117.

Allele frequency attached by ClinVar (database versions not stated): gnomAD exomes below 0.00001.
gnomAD v4.1: 1 of 1,613,900 alleles (0.000062%); highest among the groups gnomAD compares: Admixed American, 0.0017%; no homozygotes.

Submission:

Labcorp Genetics (formerly Invitae), Labcorp
Classification: Uncertain significance for GLUT1 deficiency syndrome 1, autosomal recessive. Last evaluated: 2023-07-21. Review status: criteria provided, single submitter. Criteria: Invitae Variant Classification Sherloc (09022015). Collection method: clinical testing. Allele origin: germline.
Comment: This sequence change replaces valine, which is neutral and non-polar, with leucine, which is neutral and non-polar, at codon 322 of the SLC2A1 protein (p.Val322Leu). This variant is present in population databases (no rsID available, gnomAD 0.003%). This variant has not been reported in the literature in individuals affected with SLC2A1-related conditions. Advanced modeling of protein sequence and biophysical properties (such as structural, functional, and spatial information, amino acid conservation, physicochemical variation, residue mobility, and thermodynamic stability) has been performed at Invitae for this missense variant, however the output from this modeling did not meet the statistical confidence thresholds required to predict the impact of this variant on SLC2A1 protein function. In summary, the available evidence is currently insufficient to determine the role of this variant in disease. Therefore, it has been classified as a Variant of Uncertain Significance.